The following is an entry in ClinVar:

GRCh38/hg38 16p13.11-12.3(chr16:15399189-18070841)x3

Genes: ABCC1 (ATP binding cassette subfamily C member 1 (ABCC1 blood group); plus strand), ABCC6 (ATP binding cassette subfamily C member 6; minus strand), BMERB1 (bMERB domain containing 1; plus strand), CEP20 (centrosomal protein 20; minus strand), MARF1 (meiosis regulator and mRNA stability factor 1; minus strand) and 62 more. Cytogenetic location: 16p13.11-12.3.
Variant type: copy number gain.
Change: copy number 3 (three copies instead of two) of chr16:15,399,189-18,070,841 (2.67 Mb, GRCh38 coordinates, 1-based), cytogenetic band 16p13.11-12.3.
Identifiers: ClinVar variation 4852055 (VCV004852055.1).

ClinVar aggregate classification (germline): Likely pathogenic (1 of 4 stars; one submission).

Submission:

Clinical Genomics Laboratory, Laboratory for Precision Diagnostics, University of Washington
Classification: Likely pathogenic. Last evaluated: 2022-09-08. Review status: criteria provided, single submitter. Criteria: ACMG/ClinGen CNV Guidelines, 2019. Collection method: clinical testing. Allele origin: unknown. Affected: yes. Observed: 1 variant allele.
Comment: This duplication contains the entirety of the recurrent 16p13.11 duplication.

Literature cited by the submitters: PubMed 30287593; PubMed 30767844; PubMed 23992924.